The following is an entry in ClinVar:

ClinVar aggregate classification (germline): Uncertain significance (1 of 4 stars; one submission).

Allele frequency attached by ClinVar (database versions not stated): TOPMed below 0.00001; gnomAD 0.00001.
gnomAD v4.1: 1 of 1,607,156 alleles (0.000062%); highest among the groups gnomAD compares: Non-Finnish European, 0.000085%; no homozygotes.

Submission:

Labcorp Genetics (formerly Invitae), Labcorp
Classification: Uncertain significance. Last evaluated: 2022-10-08. Review status: criteria provided, single submitter. Criteria: Invitae Variant Classification Sherloc (09022015). Collection method: clinical testing. Allele origin: germline.
Comment: Advanced modeling of protein sequence and biophysical properties (such as structural, functional, and spatial information, amino acid conservation, physicochemical variation, residue mobility, and thermodynamic stability) has been performed at Invitae for this missense variant, however the output from this modeling did not meet the statistical confidence thresholds required to predict the impact of this variant on GUCY2C protein function. This variant has not been reported in the literature in individuals affected with GUCY2C-related conditions. This variant is not present in population databases (gnomAD no frequency). This sequence change replaces proline, which is neutral and non-polar, with alanine, which is neutral and non-polar, at codon 411 of the GUCY2C protein (p.Pro411Ala). In summary, the available evidence is currently insufficient to determine the role of this variant in disease. Therefore, it has been classified as a Variant of Uncertain Significance.

NM_004963.4(GUCY2C):c.1231C>G (p.Pro411Ala)

Genes: GUCY2C (guanylate cyclase 2C; minus strand), GUCY2C-AS1 (GUCY2C antisense RNA 1; plus strand). Cytogenetic location: 12p12.3.
Variant type: single nucleotide variant.
Coding change: c.1231C>G on transcript NM_004963.4 (MANE Select); coding-DNA position 1231, C replaced by G.
Protein change: p.Pro411Ala; replaces proline 411 with alanine.
Molecular consequence: missense variant.
Genome position (GRCh38, 1-based): chr12:14,669,773, G>C on the plus strand (C>G on the coding strand, the complement: GUCY2C is on the minus strand). VCF-style: chr12-14669773-G-C. GRCh37 (hg19) VCF-style: chr12-14822707-G-C.
Other names: short protein forms P411A.
Identifiers: ClinVar variation 1721284 (VCV001721284.6), dbSNP rs1948065996, ClinGen allele CA383997566.
Genomic context (GRCh38, chr12:14,669,773, plus strand): 5'-ATATCTTACCCCGGCCTGTAATATCATTAGGAAGTTTAGAGTTCTTCCAAGTGAATGTGG[G>C]GCTCATATCCACAGGATAGGTCTTATTTACGTGGGTATCATAGGTCAAAAGAACCTTGTA-3'
Protein context (NP_004954.2, residues 401-421): VNKTYPVDMS[Pro411Ala]TFTWKNSKLP